The following is an entry in ClinVar:

ClinVar aggregate classification (germline): Likely benign. Review status: criteria provided, single submitter (1 of 4 stars). 2 submissions from 2 submitters: Likely benign (1). 1 of the submissions does not count toward it. Last evaluated 2026-02-01.

Conditions:
THAP11-related disorder. Also called: THAP11-related condition.

Submissions (2):

Labcorp Genetics (formerly Invitae), Labcorp
Classification: Likely benign. Last evaluated: 2026-02-01. Review status: criteria provided, single submitter. Criteria: Invitae Variant Classification Sherloc (09022015). Collection method: clinical testing. Allele origin: germline.

PreventionGenetics, part of Exact Sciences
Classification: Likely benign for THAP11-related condition. Last evaluated: 2024-06-27. Review status: no assertion criteria provided. Collection method: clinical testing. Allele origin: germline. Not counted in ClinVar's aggregate classification.
Comment: This variant is classified as likely benign based on ACMG/AMP sequence variant interpretation guidelines (Richards et al. 2015 PMID: 25741868, with internal and published modifications).

NM_020457.3(THAP11):c.367CAG[8] (p.Gln131_Gln132del)

Genes: CENPT (centromere protein T; minus strand), THAP11 (THAP domain containing 11; plus strand). Cytogenetic location: 16q22.1.
Variant type: Microsatellite.
Coding change: c.367CAG[8] on transcript NM_020457.3 (MANE Select); eight copies in a row of the 3-base unit CAG starting at c.367; the reference has ten copies in a row; two copies, 6 bases deleted.
Protein change: p.Gln131_Gln132del.
Molecular consequence: inframe deletion. On other transcripts: intron variant (1).
Genome position (GRCh38, 1-based): chr16:67,842,945-67,842,950, CAGCAG deleted; deleting any 6 consecutive bases within chr16:67,842,921-67,842,950 gives the same sequence; the position shown is the placement nearest the transcript's 3' end. VCF-style (leftmost placement, unchanged base first): chr16-67842920-ACAGCAG-A. GRCh37 (hg19) VCF-style: chr16-67876823-ACAGCAG-A.
Other names: c.391_396del6 (NM_020457.2); c.-492+4451CTG[8] (NM_025082.4).
Identifiers: ClinVar variation 1528605 (VCV001528605.9), dbSNP rs377516180, ClinGen allele CA8118229.